The following is an entry in ClinVar:

NM_001042492.3(NF1):c.6316G>A (p.Val2106Ile)

Gene: NF1 (neurofibromin 1; plus strand). Cytogenetic location: 17q11.2.
Variant type: single nucleotide variant.
Coding change: c.6316G>A on transcript NM_001042492.3 (MANE Select); coding-DNA position 6316, G replaced by A.
Protein change: p.Val2106Ile; replaces valine 2106 with isoleucine.
Molecular consequence: missense variant.
Genome position (GRCh38, 1-based): chr17:31,336,803, G>A. VCF-style: chr17-31336803-G-A. GRCh37 (hg19) VCF-style: chr17-29663821-G-A.
Other names: c.6253G>A, p.Val2085Ile (NM_000267.4); short protein forms V2085I, V2106I.
Identifiers: ClinVar variation 457788 (VCV000457788.16), dbSNP rs755791578, ClinGen allele CA8487333.

ClinVar aggregate classification (germline): Conflicting classifications of pathogenicity. Review status: criteria provided, conflicting classifications (1 of 4 stars). 6 submissions from 5 submitters: Uncertain significance (4); Benign (1); Likely benign (1). Last evaluated 2025-12-14.

Conditions:
Hereditary cancer-predisposing syndrome. Also called: Neoplastic Syndromes, Hereditary; Hereditary Cancer Syndrome; Hereditary neoplastic syndrome; Tumor predisposition. Identifiers: Orphanet 140162, MedGen C0027672, MeSH D009386, MONDO:0015356.
Cardiovascular phenotype. Identifiers: MedGen CN230736.
Neurofibromatosis, type 1 (NF1). Also called: VON RECKLINGHAUSEN DISEASE; Peripheral type neurofibromatosis; NEUROFIBROMATOSIS, TYPE I, SOMATIC; Neurofibromatosis, type I. Identifiers: Orphanet 636, MedGen C0027831, MONDO:0018975, OMIM 162200. Disease mechanism: loss of function.

Allele frequency attached by ClinVar (database versions not stated): ExAC 0.00002; TOPMed below 0.00001; gnomAD 0.00001; gnomAD exomes 0.00001.
gnomAD v4.1: 16 of 1,613,758 alleles (0.00099%); highest among the groups gnomAD compares: Middle Eastern, 0.033%; no homozygotes.

Submissions (6):

Labcorp Genetics (formerly Invitae), Labcorp
Classification: Benign for Neurofibromatosis, type 1. Last evaluated: 2025-12-14. Review status: criteria provided, single submitter. Criteria: Invitae Variant Classification Sherloc (09022015). Collection method: clinical testing. Allele origin: germline.

Blueprint Genetics
Classification: Uncertain significance. Last evaluated: 2024-10-29. Review status: criteria provided, single submitter. Criteria: ACMG Guidelines, 2015. Collection method: clinical testing. Allele origin: germline.

Ambry Genetics
Classification: Likely benign for Cardiovascular phenotype; Hereditary cancer-predisposing syndrome. Last evaluated: 2024-06-28. Review status: criteria provided, single submitter. Criteria: Ambry Variant Classification Scheme 2023. Collection method: clinical testing. Allele origin: germline.

Johns Hopkins Genomics, Johns Hopkins University
Classification: Uncertain significance for Neurofibromatosis, type 1. Last evaluated: 2023-05-16. Review status: criteria provided, single submitter. Criteria: ACMG Guidelines, 2015. Collection method: clinical testing. Allele origin: germline.
Comment: This NF1 missense variant (rs755791578) is rare (<0.1%) in a large population dataset (gnomAD v2.1.1: 4/282742 total alleles; 0.0014%; no homozygotes). It has been reported in ClinVar (Variation ID 457788), but has not been reported in the literature, to our knowledge. Two bioinformatic tools queried predict that this substitution would be tolerated. The valine residue at this position is evolutionarily conserved across most of the species assessed, but two species have a different amino acid at this position, including one with isoleucine. We consider the clinical significance of c.6316G>A;p.Val2106Ile in NF1 to be uncertain at this time.

Genome-Nilou Lab
Classification: Uncertain significance for Neurofibromatosis, type 1. Last evaluated: 2022-03-15. Review status: criteria provided, single submitter. Criteria: ACMG Guidelines, 2015. Collection method: clinical testing. Allele origin: germline. Affected: no.

Ambry Genetics
Classification: Uncertain significance for Hereditary cancer-predisposing syndrome. Last evaluated: 2016-02-15. Review status: criteria provided, single submitter. Criteria: Ambry Autosomal Dominant and X-Linked criteria (10/2015). Collection method: clinical testing. Allele origin: germline. Observed: 1 variant allele.
Comment: The p.V2106I variant (also known as c.6316G>A), located in coding exon 42 of the NF1 gene, results from a G to A substitution at nucleotide position 6316. The valine at codon 2106 is replaced by isoleucine, an amino acid with highly similar properties. This variant was not reported in population based cohorts in the following databases: Database of Single Nucleotide Polymorphisms (dbSNP), NHLBI Exome Sequencing Project (ESP), and 1000 Genomes Project. In the ESP, this variant was not observed in 6503 samples (13006 alleles) with coverage at this position. To date, this alteration has been detected with an allele frequency of approximately 0.001% (greater than 110000alleles tested) in our clinical cohort.This amino acid position is highly conserved in available vertebrate species. In addition, this alteration is predicted to be tolerated by in silico analysis.Since supporting evidence is limited at this time, the clinical significance of this alterationremains unclear.

Literature cited by the submitters: PubMed 34392670 (cited by Ambry Genetics); PubMed 35066574 (cited by Johns Hopkins Genomics, Johns Hopkins University).